The following is an entry in ClinVar:

NM_000368.5(TSC1):c.2431C>T (p.Arg811Trp)

Gene: TSC1 (TSC complex subunit 1; minus strand). Cytogenetic location: 9q34.13.
Variant type: single nucleotide variant.
Coding change: c.2431C>T on transcript NM_000368.5 (MANE Select); coding-DNA position 2431, C replaced by T.
Protein change: p.Arg811Trp; replaces arginine 811 with tryptophan.
Molecular consequence: missense variant.
Genome position (GRCh38, 1-based): chr9:132,901,660, G>A on the plus strand (C>T on the coding strand, the complement: TSC1 is on the minus strand). VCF-style: chr9-132901660-G-A. GRCh37 (hg19) VCF-style: chr9-135777047-G-A.
Other names: c.2428C>T, p.Arg810Trp (NM_001162426.2); c.2278C>T, p.Arg760Trp (NM_001162427.2); c.2068C>T, p.Arg690Trp (NM_001362177.2); short protein forms R690W, R810W, R760W, R811W.
Identifiers: ClinVar variation 649743 (VCV000649743.15), dbSNP rs397514814, ClinGen allele CA375358621.
Genomic context (GRCh38, chr9:132,901,660, plus strand): 5'-CCTGACTGAGCAGCAGCTCAGTGTGACACACCTTGTTGTTGGCCTTCTTCAGTTCTATCC[G>A]CAGCTCCGCAATCATGTTCCTGCAGTCCTCCAGCTTCGTCTGCCCAAAGAGACGTGGACA-3'
Protein context (NP_000359.1, residues 801-821): EDCRNMIAEL[Arg811Trp]IELKKANNKV

ClinVar aggregate classification (germline): Conflicting classifications of pathogenicity. Review status: criteria provided, conflicting classifications (1 of 4 stars). 5 submissions from 5 submitters: Uncertain significance (4); Likely benign (1). Last evaluated 2025-12-24.

Conditions:
Tuberous sclerosis syndrome (TSC). Also called: Tuberous sclerosis; Tuberous Sclerosis Complex. Identifiers: Orphanet 805, MedGen C0041341, MONDO:0001734.
Tuberous sclerosis 1 (TSC1). Identifiers: Orphanet 805, MedGen C1854465, MONDO:0008612, OMIM 191100.
Hereditary cancer-predisposing syndrome. Also called: Hereditary Cancer Syndrome; Tumor predisposition; Neoplastic Syndromes, Hereditary; Hereditary neoplastic syndrome. Identifiers: Orphanet 140162, MedGen C0027672, MeSH D009386, MONDO:0015356.

gnomAD v4.1: 11 of 1,613,932 alleles (0.00068%); highest among the groups gnomAD compares: East Asian, 0.0022%; no homozygotes.

Submissions (5):

Labcorp Genetics (formerly Invitae), Labcorp
Classification: Likely benign for Tuberous sclerosis 1. Last evaluated: 2025-12-24. Review status: criteria provided, single submitter. Criteria: Invitae Variant Classification Sherloc (09022015). Collection method: clinical testing. Allele origin: germline.

GeneDx
Classification: Uncertain significance. Last evaluated: 2024-07-29. Review status: criteria provided, single submitter. Criteria: GeneDx Variant Classification Process June 2021. Collection method: clinical testing. Allele origin: germline. Affected: yes.
Comment: In silico analysis supports that this missense variant has a deleterious effect on protein structure/function; Has not been previously published as pathogenic or benign to our knowledge; This variant is associated with the following publications: (PMID: 18466115)

Color Diagnostics, LLC DBA Color Health
Classification: Uncertain significance for Tuberous sclerosis syndrome. Last evaluated: 2024-07-19. Review status: criteria provided, single submitter. Criteria: ACMG Guidelines, 2015. Collection method: clinical testing. Allele origin: germline.
Comment: This missense variant replaces arginine with tryptophan at codon 811 of the TSC1 protein. Computational prediction suggests that this variant may not impact protein structure and function. To our knowledge, functional studies have not been reported for this variant. This variant has not been reported in individuals affected with TSC1-related disorders in the literature. This variant has been identified in 1/251314 chromosomes in the general population by the Genome Aggregation Database (gnomAD). The available evidence is insufficient to determine the role of this variant in disease conclusively. Therefore, this variant is classified as a Variant of Uncertain Significance.

Ambry Genetics
Classification: Uncertain significance for Hereditary cancer-predisposing syndrome. Last evaluated: 2023-12-07. Review status: criteria provided, single submitter. Criteria: Ambry Variant Classification Scheme 2023. Collection method: clinical testing. Allele origin: germline.
Comment: The p.R811W variant (also known as c.2431C>T), located in coding exon 17 of the TSC1 gene, results from a C to T substitution at nucleotide position 2431. The arginine at codon 811 is replaced by tryptophan, an amino acid with dissimilar properties. This amino acid position is well conserved in available vertebrate species. In addition, the in silico prediction for this alteration is inconclusive. Since supporting evidence is limited at this time, the clinical significance of this alteration remains unclear.

All of Us Research Program, National Institutes of Health
Classification: Uncertain significance for Tuberous sclerosis syndrome. Last evaluated: 2023-06-26. Review status: criteria provided, single submitter. Criteria: ACMG Guidelines, 2015. Collection method: clinical testing. Allele origin: germline. Inheritance: Autosomal dominant inheritance. Observed: 1 variant allele, 1 heterozygote.
Comment: This missense variant replaces arginine with tryptophan at codon 811 of the TSC1 protein. Computational prediction suggests that this variant may not impact protein structure and function (internally defined REVEL score threshold <= 0.5, PMID: 27666373). To our knowledge, functional studies have not been reported for this variant. This variant has not been reported in individuals affected with TSC1-related disorders in the literature. This variant has been identified in 1/251314 chromosomes in the general population by the Genome Aggregation Database (gnomAD). The available evidence is insufficient to determine the role of this variant in disease conclusively. Therefore, this variant is classified as a Variant of Uncertain Significance.

This study involves interpretation of variants in research participants for the purpose of population health screening. Participant phenotype was not available at the time of variant classification. Additional details can be found in publication PMID: 35346344, PMCID: PMC8962531